The following is an entry in ClinVar:

NM_007255.3(B4GALT7):c.875A>G (p.Tyr292Cys)

Gene: B4GALT7 (beta-1,4-galactosyltransferase 7; plus strand). Cytogenetic location: 5q35.3.
Variant type: single nucleotide variant.
Coding change: c.875A>G on transcript NM_007255.3 (MANE Select); coding-DNA position 875, A replaced by G.
Protein change: p.Tyr292Cys; replaces tyrosine 292 with cysteine.
Molecular consequence: missense variant.
Genome position (GRCh38, 1-based): chr5:177,609,586, A>G. VCF-style: chr5-177609586-A-G. GRCh37 (hg19) VCF-style: chr5-177036587-A-G.
Other names: short protein forms Y292C.
Identifiers: ClinVar variation 382552 (VCV000382552.6), dbSNP rs780922438, ClinGen allele CA3586726.

ClinVar aggregate classification (germline): Uncertain significance. Review status: criteria provided, multiple submitters, no conflicts (2 of 4 stars). 2 submissions from 2 submitters: Uncertain significance (2). Last evaluated 2025-08-07.

Conditions:
Spondylodysplastic Ehlers-Danlos syndrome. Identifiers: Orphanet 536471, Orphanet 75496, MedGen C5680154, MONDO:0007526.

Allele frequency attached by ClinVar (database versions not stated): gnomAD exomes below 0.00001; ExAC 0.00001; gnomAD 0.00001.
gnomAD v4.1: 3 of 1,613,752 alleles (0.00019%); highest among the groups gnomAD compares: Non-Finnish European, 0.00025%; no homozygotes.

Submissions (2):

Labcorp Genetics (formerly Invitae), Labcorp
Classification: Uncertain significance for Spondylodysplastic Ehlers-Danlos syndrome. Last evaluated: 2025-08-07. Review status: criteria provided, single submitter. Criteria: Invitae Variant Classification Sherloc (09022015). Collection method: clinical testing. Allele origin: germline.
Comment: This sequence change replaces tyrosine, which is neutral and polar, with cysteine, which is neutral and slightly polar, at codon 292 of the B4GALT7 protein (p.Tyr292Cys). This variant is present in population databases (rs780922438, gnomAD 0.0009%). This variant has not been reported in the literature in individuals affected with B4GALT7-related conditions. ClinVar contains an entry for this variant (Variation ID: 382552). Invitae Evidence Modeling of protein sequence and biophysical properties (such as structural, functional, and spatial information, amino acid conservation, physicochemical variation, residue mobility, and thermodynamic stability) indicates that this missense variant is expected to disrupt B4GALT7 protein function with a positive predictive value of 80%. In summary, the available evidence is currently insufficient to determine the role of this variant in disease. Therefore, it has been classified as a Variant of Uncertain Significance.

GeneDx
Classification: Uncertain significance. Last evaluated: 2018-11-19. Review status: criteria provided, single submitter. Criteria: GeneDx Variant Classification (06012015). Collection method: clinical testing. Allele origin: germline. Affected: yes.
Comment: The Y292C variant in the B4GALT7 gene has not been reported previously as a pathogenic variant, nor as a benign variant, to our knowledge. The Y292C variant was not observed in approximately 6500 individuals of European and African American ancestry in the NHLBI Exome Sequencing Project, indicating it is not a common benign variant in these populations. The Y292C variant is a non-conservative amino acid substitution, which occurs at a position that is conserved across species, and in silico analysis predicts this variant is probably damaging to the protein structure/function. We interpret Y292C as a variant of uncertain significance.